The following is an entry in ClinVar:

ClinVar aggregate classification (germline): Uncertain significance (1 of 4 stars; one submission).

Allele frequency attached by ClinVar (database versions not stated): gnomAD 0.00004; TOPMed 0.00003.
gnomAD v4.1: 36 of 1,553,530 alleles (0.0023%); highest among the groups gnomAD compares: African/African-American, 0.0042%; no homozygotes.

Submission:

Labcorp Genetics (formerly Invitae), Labcorp
Classification: Uncertain significance. Last evaluated: 2026-01-06. Review status: criteria provided, single submitter. Criteria: Invitae Variant Classification Sherloc (09022015). Collection method: clinical testing. Allele origin: germline.
Comment: This sequence change replaces arginine, which is basic and polar, with histidine, which is basic and polar, at codon 539 of the SLIT2 protein (p.Arg539His). The frequency data for this variant in the population databases is considered unreliable, as metrics indicate poor data quality at this position in the gnomAD database. This variant has not been reported in the literature in individuals affected with SLIT2-related conditions. ClinVar contains an entry for this variant (Variation ID: 2903614). An algorithm developed to predict the effect of missense changes on protein structure and function (PolyPhen-2) suggests that this variant is likely to be disruptive. In summary, the available evidence is currently insufficient to determine the role of this variant in disease. Therefore, it has been classified as a Variant of Uncertain Significance.

NM_004787.4(SLIT2):c.1616G>A (p.Arg539His)

Gene: SLIT2 (slit guidance ligand 2; plus strand). Cytogenetic location: 4p15.31.
Variant type: single nucleotide variant.
Coding change: c.1616G>A on transcript NM_004787.4 (MANE Select); coding-DNA position 1616, G replaced by A.
Protein change: p.Arg539His; replaces arginine 539 with histidine.
Molecular consequence: missense variant.
Genome position (GRCh38, 1-based): chr4:20,531,986, G>A. VCF-style: chr4-20531986-G-A. GRCh37 (hg19) VCF-style: chr4-20533609-G-A.
Other names: c.1604G>A, p.Arg535His (NM_001289135.3); c.1592G>A, p.Arg531His (NM_001289136.3); short protein forms R539H, R531H, R535H.
Identifiers: ClinVar variation 2903614 (VCV002903614.3), dbSNP rs1224798825, ClinGen allele CA356464932.